The following is an entry in ClinVar:

NM_006790.3(MYOT):c.225G>C (p.Gln75His)

Genes: MYOT (myotilin; plus strand), PKD2L2-DT (PKD2L2 divergent transcript; minus strand). Cytogenetic location: 5q31.2.
Variant type: single nucleotide variant.
Coding change: c.225G>C on transcript NM_006790.3 (MANE Select); coding-DNA position 225, G replaced by C.
Protein change: p.Gln75His; replaces glutamine 75 with histidine.
Molecular consequence: missense variant. On other transcripts: splice acceptor variant (1), intron variant (1).
Genome position (GRCh38, 1-based): chr5:137,870,876, G>C. VCF-style: chr5-137870876-G-C. GRCh37 (hg19) VCF-style: chr5-137206565-G-C.
Other names: c.-120-1G>C (NM_001300911.2); c.-197+351G>C (NM_001135940.2); short protein forms Q75H.
Identifiers: ClinVar variation 2433994 (VCV002433994.6), dbSNP rs2531991398, ClinGen allele CA361053148.

ClinVar aggregate classification (germline): Uncertain significance. Review status: criteria provided, multiple submitters, no conflicts (2 of 4 stars). 2 submissions from 2 submitters: Uncertain significance (2). Last evaluated 2023-06-14.

Conditions:
Myofibrillar myopathy 3 (MFM3). Also called: Muscular dystrophy, proximal, type 1A; Autosomal dominant spheroid body myopathy. Identifiers: Orphanet 266, Orphanet 268129, MedGen C3714934, MONDO:0012215, OMIM 609200.

Allele frequency attached by ClinVar (database versions not stated): gnomAD exomes 0.00001.
gnomAD v4.1: 9 of 1,614,168 alleles (0.00056%); highest among the groups gnomAD compares: Non-Finnish European, 0.00068%; no homozygotes.

Submissions (2):

Labcorp Genetics (formerly Invitae), Labcorp
Classification: Uncertain significance for Myofibrillar myopathy 3. Last evaluated: 2023-06-14. Review status: criteria provided, single submitter. Criteria: Invitae Variant Classification Sherloc (09022015). Collection method: clinical testing. Allele origin: germline.
Comment: This sequence change replaces glutamine, which is neutral and polar, with histidine, which is basic and polar, at codon 75 of the MYOT protein (p.Gln75His). This variant is not present in population databases (gnomAD no frequency). This variant has not been reported in the literature in individuals affected with MYOT-related conditions. ClinVar contains an entry for this variant (Variation ID: 2433994). An algorithm developed to predict the effect of missense changes on protein structure and function (PolyPhen-2) suggests that this variant is likely to be tolerated. In summary, the available evidence is currently insufficient to determine the role of this variant in disease. Therefore, it has been classified as a Variant of Uncertain Significance.

Revvity Omics, Revvity
Classification: Uncertain significance for Myofibrillar myopathy 3. Last evaluated: 2021-03-08. Review status: criteria provided, single submitter. Criteria: ACMG Guidelines, 2015. Collection method: clinical testing. Allele origin: germline.